The following is an entry in ClinVar:

ClinVar aggregate classification (germline): Uncertain significance (1 of 4 stars; one submission).

Conditions:
Fanconi anemia (FA). Also called: Fanconi's anemia. Identifiers: Orphanet 84, MedGen C0015625, MeSH D005199, MONDO:0019391.

Allele frequency attached by ClinVar (database versions not stated): gnomAD exomes below 0.00001.
gnomAD v4.1: 2 of 1,613,952 alleles (0.00012%); highest among the groups gnomAD compares: East Asian, 0.0022%; no homozygotes.

Submission:

Labcorp Genetics (formerly Invitae), Labcorp
Classification: Uncertain significance for Fanconi anemia. Last evaluated: 2023-01-07. Review status: criteria provided, single submitter. Criteria: Invitae Variant Classification Sherloc (09022015). Collection method: clinical testing. Allele origin: germline.
Comment: In summary, the available evidence is currently insufficient to determine the role of this variant in disease. Therefore, it has been classified as a Variant of Uncertain Significance. Advanced modeling of protein sequence and biophysical properties (such as structural, functional, and spatial information, amino acid conservation, physicochemical variation, residue mobility, and thermodynamic stability) performed at Invitae indicates that this missense variant is not expected to disrupt FANCL protein function. This variant has not been reported in the literature in individuals affected with FANCL-related conditions. This variant is present in population databases (no rsID available, gnomAD 0.01%). This sequence change replaces serine, which is neutral and polar, with threonine, which is neutral and polar, at codon 188 of the FANCL protein (p.Ser188Thr).

NM_018062.4(FANCL):c.563G>C (p.Ser188Thr)

Gene: FANCL (FA complementation group L; minus strand). Cytogenetic location: 2p16.1.
Variant type: single nucleotide variant.
Coding change: c.563G>C on transcript NM_018062.4 (MANE Select); coding-DNA position 563, G replaced by C.
Protein change: p.Ser188Thr; replaces serine 188 with threonine.
Molecular consequence: missense variant.
Genome position (GRCh38, 1-based): chr2:58,165,852, C>G on the plus strand (G>C on the coding strand, the complement: FANCL is on the minus strand). VCF-style: chr2-58165852-C-G. GRCh37 (hg19) VCF-style: chr2-58392987-C-G.
Other names: c.578G>C, p.Ser193Thr (NM_001114636.2); c.608G>C, p.Ser203Thr (NM_001374615.1); c.623G>C, p.Ser208Thr (NM_001410792.1); short protein forms S193T, S188T, S203T, S208T.
Identifiers: ClinVar variation 2741566 (VCV002741566.3), dbSNP rs1558741388, ClinGen allele CA346938017.